The following is an entry in ClinVar:

ClinVar aggregate classification (germline): Benign/Likely benign. Review status: criteria provided, multiple submitters, no conflicts (2 of 4 stars). 3 submissions from 3 submitters: Benign (1); Likely benign (2). Last evaluated 2026-02-01.

Conditions:
Weaver syndrome (WVS). Also called: Weaver Smith syndrome; Overgrowth syndrome with accelerated skeletal maturation, unusual facies, and camptodactyly. Identifiers: Orphanet 3447, MedGen C0265210, MONDO:0010193, OMIM 277590.

Allele frequency attached by ClinVar (database versions not stated): TOPMed 0.00044; ExAC 0.00061; ESP Exome Variant Server 0.00069; gnomAD exomes 0.00073 and 0.00081; gnomAD 0.00074 and 0.00079.
gnomAD v4.1: 1,276 of 1,612,758 alleles (0.079%); highest among the groups gnomAD compares: Non-Finnish European, 0.087%; no homozygotes.

Submissions (6):

Labcorp Genetics (formerly Invitae), Labcorp
Classification: Benign for Weaver syndrome. Last evaluated: 2026-02-01. Review status: criteria provided, single submitter. Criteria: Invitae Variant Classification Sherloc (09022015). Collection method: clinical testing. Allele origin: germline.

Blueprint Genetics
Classification: Likely benign. Last evaluated: 2024-11-27. Review status: criteria provided, single submitter. Criteria: ACMG Guidelines, 2015. Collection method: clinical testing. Allele origin: germline.

GeneDx
Classification: Likely benign. Last evaluated: 2016-03-23. Review status: criteria provided, single submitter. Criteria: GeneDx Variant Classification (06012015). Collection method: clinical testing. Allele origin: germline. Affected: yes.
Comment: This variant is considered likely benign or benign based on one or more of the following criteria: it is a conservative change, it occurs at a poorly conserved position in the protein, it is predicted to be benign by multiple in silico algorithms, and/or has population frequency not consistent with disease.

Dr. Peter K. Rogan Lab, Western University
No classification provided (evidence only). Condition: Lung cancer. Review status: no classification provided. Collection method: in vitro. Allele origin: not applicable. Functional consequence: retained intron. Not counted in ClinVar's aggregate classification.

Dr. Peter K. Rogan Lab, Western University
No classification provided (evidence only). Condition: Familial cancer of breast. Review status: no classification provided. Collection method: in vitro. Allele origin: not applicable. Functional consequence: retained intron. Not counted in ClinVar's aggregate classification.

Dr. Peter K. Rogan Lab, Western University
No classification provided (evidence only). Condition: Malignant tumor of esophagus. Review status: no classification provided. Collection method: in vitro. Allele origin: not applicable. Functional consequence: retained intron. Not counted in ClinVar's aggregate classification.

NM_004456.5(EZH2):c.1506-19T>G

Gene: EZH2 (enhancer of zeste 2 polycomb repressive complex 2 subunit; minus strand). Cytogenetic location: 7q36.1.
Variant type: single nucleotide variant.
Coding change: c.1506-19T>G on transcript NM_004456.5 (MANE Select); 19 bases into the intron before coding-DNA position 1506, T replaced by G.
Molecular consequence: intron variant.
Genome position (GRCh38, 1-based): chr7:148,815,565, A>C on the plus strand (T>G on the coding strand, the complement: EZH2 is on the minus strand). VCF-style: chr7-148815565-A-C. GRCh37 (hg19) VCF-style: chr7-148512657-A-C.
Other names: c.1464-19T>G (NM_001203248.2, NM_001203249.2); c.1374-19T>G (NM_152998.3); c.1491-19T>G (NM_001203247.2).
Identifiers: ClinVar variation 384742 (VCV000384742.11), dbSNP rs199970231, ClinGen allele CA4547856.